The following is an entry in ClinVar:

ClinVar aggregate classification (germline): Uncertain significance. Review status: criteria provided, multiple submitters, no conflicts (2 of 4 stars). 2 submissions from 2 submitters: Uncertain significance (2). Last evaluated 2025-02-07.

Conditions:
Neurofibromatosis, type 2 (SWNV). Also called: BILATERAL ACOUSTIC NEUROFIBROMATOSIS; SCHWANNOMATOSIS, VESTIBULAR; NF2-Related Schwannomatosis. Identifiers: Orphanet 637, MedGen C0027832, MONDO:0007039, OMIM 101000. Disease mechanism: loss of function.

Allele frequency attached by ClinVar (database versions not stated): ExAC 0.00001; gnomAD exomes 0.00001.
gnomAD v4.1: 8 of 1,614,026 alleles (0.0005%); highest among the groups gnomAD compares: African/African-American, 0.0013%; no homozygotes.

Submissions (2):

Labcorp Genetics (formerly Invitae), Labcorp
Classification: Uncertain significance for Neurofibromatosis, type 2. Last evaluated: 2025-02-07. Review status: criteria provided, single submitter. Criteria: Invitae Variant Classification Sherloc (09022015). Collection method: clinical testing. Allele origin: germline.
Comment: This sequence change falls in intron 2 of the NF2 gene. It does not directly change the encoded amino acid sequence of the NF2 protein. It affects a nucleotide within the consensus splice site. This variant is present in population databases (rs771417406, gnomAD 0.002%). This variant has not been reported in the literature in individuals affected with NF2-related conditions. ClinVar contains an entry for this variant (Variation ID: 858557). Variants that disrupt the consensus splice site are a relatively common cause of aberrant splicing (PMID: 17576681, 9536098). Algorithms developed to predict the effect of sequence changes on RNA splicing suggest that this variant is not likely to affect RNA splicing. In summary, the available evidence is currently insufficient to determine the role of this variant in disease. Therefore, it has been classified as a Variant of Uncertain Significance.

All of Us Research Program, National Institutes of Health
Classification: Uncertain significance for Neurofibromatosis, type 2. Last evaluated: 2023-03-23. Review status: criteria provided, single submitter. Criteria: ACMG Guidelines, 2015. Collection method: clinical testing. Allele origin: germline. Inheritance: Autosomal dominant inheritance. Observed: 2 variant alleles, 2 heterozygotes.
Comment: This variant causes a G to C nucleotide substitution at the +6 position of intron 2 of the NF2 gene. To our knowledge, functional studies have not been reported for this variant. This variant has not been reported in individuals affected with NF2-related disorders in the literature. This variant has been identified in 2/251456 chromosomes in the general population by the Genome Aggregation Database (gnomAD). The available evidence is insufficient to determine the role of this variant in disease conclusively. Therefore, this variant is classified as a Variant of Uncertain Significance.

This study involves interpretation of variants in research participants for the purpose of population health screening. Participant phenotype was not available at the time of variant classification. Additional details can be found in publication PMID: 35346344, PMCID: PMC8962531

Literature cited by the submitters: PubMed 17576681 (cited by Labcorp Genetics (formerly Invitae), Labcorp); PubMed 9536098 (cited by Labcorp Genetics (formerly Invitae), Labcorp).

NM_000268.4(NF2):c.240+6G>C

Gene: NF2 (NF2, moesin-ezrin-radixin like (MERLIN) tumor suppressor; plus strand). Cytogenetic location: 22q12.2.
Variant type: single nucleotide variant.
Coding change: c.240+6G>C on transcript NM_000268.4 (MANE Select); 6 bases into the intron after coding-DNA position 240, G replaced by C.
Molecular consequence: intron variant.
Genome position (GRCh38, 1-based): chr22:29,636,882, G>C. VCF-style: chr22-29636882-G-C. GRCh37 (hg19) VCF-style: chr22-30032871-G-C.
Other names: c.240+6G>C (NM_016418.5, NM_181832.3, NM_181833.3 and 2 more transcripts); c.115-2208G>C (NM_181828.3); c.115-5320G>C (NM_181830.3, NM_181831.3).
Identifiers: ClinVar variation 858557 (VCV000858557.11), dbSNP rs771417406, ClinGen allele CA030907.